The following is an entry in ClinVar:

NM_021729.6(VPS11):c.2302C>A (p.Leu768Ile)

Gene: VPS11 (VPS11 core subunit of CORVET and HOPS complexes; plus strand). Cytogenetic location: 11q23.3.
Variant type: single nucleotide variant.
Coding change: c.2302C>A on transcript NM_021729.6 (MANE Select); coding-DNA position 2302, C replaced by A.
Protein change: p.Leu768Ile; replaces leucine 768 with isoleucine.
Molecular consequence: missense variant. On other transcripts: non-coding transcript variant (8).
Genome position (GRCh38, 1-based): chr11:119,079,164, C>A. VCF-style: chr11-119079164-C-A. GRCh37 (hg19) VCF-style: chr11-118949874-C-A.
Other names: c.2272C>A, p.Leu758Ile (NM_001290185.2); c.2314C>A, p.Leu772Ile (NM_001378218.1, NM_001378219.1); c.2287C>A, p.Leu763Ile (NM_001378220.1); c.2284C>A, p.Leu762Ile (NM_001378221.1); short protein forms L758I, L768I, L762I, L763I, L772I.
Identifiers: ClinVar variation 1379176 (VCV001379176.3), dbSNP rs782523092, ClinGen allele CA6313677.
Genomic context (GRCh38, chr11:119,079,164, plus strand): 5'-GTTTCCTCTTGGACCCCAATCTCAGTGGTGCAGACCCTGGCCCACAACTCCACAGCCACA[C>A]TCTCCGTCATCAGGGACTACCTGGTCCAAAAACTACAGAAACAGAGCCAGCAGATTGCAC-3'
Protein context (NP_068375.3, residues 758-778): QTLAHNSTAT[Leu768Ile]SVIRDYLVQK

ClinVar aggregate classification (germline): Uncertain significance (1 of 4 stars; one submission).

Allele frequency attached by ClinVar (database versions not stated): TOPMed below 0.00001; ExAC 0.00001; gnomAD exomes 0.00001.
gnomAD v4.1: 38 of 1,613,962 alleles (0.0024%); highest among the groups gnomAD compares: South Asian, 0.0033%; no homozygotes.

Submission:

Labcorp Genetics (formerly Invitae), Labcorp
Classification: Uncertain significance. Last evaluated: 2021-07-17. Review status: criteria provided, single submitter. Criteria: Invitae Variant Classification Sherloc (09022015). Collection method: clinical testing. Allele origin: germline.
Comment: This sequence change replaces leucine with isoleucine at codon 768 of the VPS11 protein (p.Leu768Ile). The leucine residue is moderately conserved and there is a small physicochemical difference between leucine and isoleucine. This variant is present in population databases (rs782523092, ExAC 0.006%). This variant has not been reported in the literature in individuals affected with VPS11-related conditions. In summary, the available evidence is currently insufficient to determine the role of this variant in disease. Therefore, it has been classified as a Variant of Uncertain Significance.